The following is an entry in ClinVar:

NM_000550.3(TYRP1):c.1451T>C (p.Val484Ala)

Genes: LURAP1L-AS1 (LURAP1L antisense RNA 1; minus strand), TYRP1 (tyrosinase related protein 1; plus strand). Cytogenetic location: 9p23.
Variant type: single nucleotide variant.
Coding change: c.1451T>C on transcript NM_000550.3 (MANE Select); coding-DNA position 1451, T replaced by C.
Protein change: p.Val484Ala; replaces valine 484 with alanine.
Molecular consequence: missense variant.
Genome position (GRCh38, 1-based): chr9:12,709,019, T>C. VCF-style: chr9-12709019-T-C. GRCh37 (hg19) VCF-style: chr9-12709019-T-C.
Other names: short protein forms V484A.
Identifiers: ClinVar variation 1363999 (VCV001363999.8), dbSNP rs760620002, ClinGen allele CA372932436.

ClinVar aggregate classification (germline): Uncertain significance (1 of 4 stars; one submission).

Submission:

Labcorp Genetics (formerly Invitae), Labcorp
Classification: Uncertain significance. Last evaluated: 2022-10-24. Review status: criteria provided, single submitter. Criteria: Invitae Variant Classification Sherloc (09022015). Collection method: clinical testing. Allele origin: germline.
Comment: ClinVar contains an entry for this variant (Variation ID: 1363999). In summary, the available evidence is currently insufficient to determine the role of this variant in disease. Therefore, it has been classified as a Variant of Uncertain Significance. Advanced modeling of protein sequence and biophysical properties (such as structural, functional, and spatial information, amino acid conservation, physicochemical variation, residue mobility, and thermodynamic stability) performed at Invitae indicates that this missense variant is not expected to disrupt TYRP1 protein function. This variant has not been reported in the literature in individuals affected with TYRP1-related conditions. This variant is not present in population databases (gnomAD no frequency). This sequence change replaces valine, which is neutral and non-polar, with alanine, which is neutral and non-polar, at codon 484 of the TYRP1 protein (p.Val484Ala).